The following is an entry in ClinVar:

NM_198253.3(TERT):c.806G>A (p.Gly269Asp)

Gene: TERT (telomerase reverse transcriptase; minus strand). Cytogenetic location: 5p15.33.
Variant type: single nucleotide variant.
Coding change: c.806G>A on transcript NM_198253.3 (MANE Select); coding-DNA position 806, G replaced by A.
Protein change: p.Gly269Asp; replaces glycine 269 with aspartic acid.
Molecular consequence: missense variant. On other transcripts: non-coding transcript variant (2).
Genome position (GRCh38, 1-based): chr5:1,294,080, C>T on the plus strand (G>A on the coding strand, the complement: TERT is on the minus strand). VCF-style: chr5-1294080-C-T. GRCh37 (hg19) VCF-style: chr5-1294195-C-T.
Other names: c.806G>A, p.Gly269Asp (NM_001193376.3); short protein forms G269D.
Identifiers: ClinVar variation 3805791 (VCV003805791.1).

ClinVar aggregate classification (germline): Uncertain significance (1 of 4 stars; one submission).

Conditions:
Dyskeratosis congenita. Identifiers: Orphanet 1775, MedGen C0265965, MONDO:0015780.

Submission:

Ambry Genetics
Classification: Uncertain significance for Dyskeratosis congenita. Last evaluated: 2025-02-05. Review status: criteria provided, single submitter. Criteria: Ambry Variant Classification Scheme 2023. Collection method: clinical testing. Allele origin: germline.
Comment: The p.G269D variant (also known as c.806G>A), located in coding exon 2 of the TERT gene, results from a G to A substitution at nucleotide position 806. The glycine at codon 269 is replaced by aspartic acid, an amino acid with similar properties. This amino acid position is conserved. In addition, this alteration is predicted to be tolerated by in silico analysis. Based on the available evidence, the clinical significance of this variant remains unclear.